The following is an entry in ClinVar:

ClinVar aggregate classification (germline): Uncertain significance (1 of 4 stars; one submission).

Allele frequency attached by ClinVar (database versions not stated): gnomAD 0.00002; TOPMed 0.00003; gnomAD exomes 0.00005; ExAC 0.00006; ESP Exome Variant Server 0.00008.
gnomAD v4.1: 78 of 1,613,776 alleles (0.0048%); highest among the groups gnomAD compares: Middle Eastern, 0.049%; no homozygotes.

Submission:

Labcorp Genetics (formerly Invitae), Labcorp
Classification: Uncertain significance. Last evaluated: 2025-08-23. Review status: criteria provided, single submitter. Criteria: Invitae Variant Classification Sherloc (09022015). Collection method: clinical testing. Allele origin: germline.
Comment: This sequence change replaces tyrosine, which is neutral and polar, with histidine, which is basic and polar, at codon 173 of the IL23R protein (p.Tyr173His). This variant is present in population databases (rs371531867, gnomAD 0.006%). This variant has not been reported in the literature in individuals affected with IL23R-related conditions. ClinVar contains an entry for this variant (Variation ID: 2052853). An algorithm developed to predict the effect of missense changes on protein structure and function (PolyPhen-2) suggests that this variant is likely to be disruptive. Experimental studies have shown that this missense change does not substantially affect IL23R function (PMID: 18675459). In summary, the available evidence is currently insufficient to determine the role of this variant in disease. Therefore, it has been classified as a Variant of Uncertain Significance.

Literature cited by the submitters: PubMed 18675459.

NM_144701.3(IL23R):c.517T>C (p.Tyr173His)

Gene: IL23R (interleukin 23 receptor; plus strand). Cytogenetic location: 1p31.3.
Variant type: single nucleotide variant.
Coding change: c.517T>C on transcript NM_144701.3 (MANE Select); coding-DNA position 517, T replaced by C.
Protein change: p.Tyr173His; replaces tyrosine 173 with histidine.
Molecular consequence: missense variant.
Genome position (GRCh38, 1-based): chr1:67,200,762, T>C. VCF-style: chr1-67200762-T-C. GRCh37 (hg19) VCF-style: chr1-67666445-T-C.
Other names: short protein forms Y173H.
Identifiers: ClinVar variation 2052853 (VCV002052853.4), dbSNP rs371531867, ClinGen allele CA899750.